The following is an entry in ClinVar:

ClinVar aggregate classification (germline): Conflicting classifications of pathogenicity. Review status: criteria provided, conflicting classifications (1 of 4 stars). 2 submissions from 2 submitters: Uncertain significance (1); Likely benign (1). Last evaluated 2023-04-12.

Conditions:
Hereditary nonpolyposis colorectal neoplasms. Identifiers: MedGen C0009405, MeSH D003123.
Hereditary cancer-predisposing syndrome. Also called: Neoplastic Syndromes, Hereditary; Tumor predisposition; Hereditary Cancer Syndrome; Hereditary neoplastic syndrome. Identifiers: Orphanet 140162, MedGen C0027672, MeSH D009386, MONDO:0015356.

Allele frequency attached by ClinVar (database versions not stated): gnomAD exomes below 0.00001.
gnomAD v4.1: 1 of 1,614,094 alleles (0.000062%); highest among the groups gnomAD compares: South Asian, 0.0011%; no homozygotes.

Submissions (2):

Labcorp Genetics (formerly Invitae), Labcorp
Classification: Likely benign for Hereditary nonpolyposis colorectal neoplasms. Last evaluated: 2023-04-12. Review status: criteria provided, single submitter. Criteria: Invitae Variant Classification Sherloc (09022015). Collection method: clinical testing. Allele origin: germline.

Ambry Genetics
Classification: Uncertain significance for Hereditary cancer-predisposing syndrome. Last evaluated: 2022-02-05. Review status: criteria provided, single submitter. Criteria: Ambry Variant Classification Scheme 2023. Collection method: clinical testing. Allele origin: germline.
Comment: The p.K1101E variant (also known as c.3301A>G), located in coding exon 5 of the MSH6 gene, results from an A to G substitution at nucleotide position 3301. The lysine at codon 1101 is replaced by glutamic acid, an amino acid with similar properties. This amino acid position is conserved. In addition, this alteration is predicted to be deleterious by in silico analysis. Since supporting evidence is limited at this time, the clinical significance of this alteration remains unclear.

NM_000179.3(MSH6):c.3301A>G (p.Lys1101Glu)

Gene: MSH6 (mutS homolog 6; plus strand). Cytogenetic location: 2p16.3.
Variant type: single nucleotide variant.
Coding change: c.3301A>G on transcript NM_000179.3 (MANE Select); coding-DNA position 3301, A replaced by G.
Protein change: p.Lys1101Glu; replaces lysine 1101 with glutamic acid.
Molecular consequence: missense variant.
Genome position (GRCh38, 1-based): chr2:47,803,548, A>G. VCF-style: chr2-47803548-A-G. GRCh37 (hg19) VCF-style: chr2-48030687-A-G.
Other names: c.2911A>G, p.Lys971Glu (NM_001281492.2); c.2395A>G, p.Lys799Glu (NM_001281493.2, NM_001281494.2, NM_001406811.1 and 6 more transcripts); c.3397A>G, p.Lys1133Glu (NM_001406795.1, NM_001406802.1); c.3301A>G, p.Lys1101Glu (NM_001406796.1, NM_001406800.1, NM_001406808.1 and 1 more transcripts); c.3004A>G, p.Lys1002Glu (NM_001406797.1, NM_001406801.1, NM_001406805.1 and 10 more transcripts); c.2776A>G, p.Lys926Glu (NM_001406799.1, NM_001406806.1, NM_001406807.1); c.2437A>G, p.Lys813Glu (NM_001406803.1); c.3223A>G, p.Lys1075Glu (NM_001406804.1); and 6 more; short protein forms K1045E, K1103E, K1133E, K813E, K28E, K50E, K971E, K1002E.
Identifiers: ClinVar variation 1729984 (VCV001729984.5), dbSNP rs1335712213, ClinGen allele CA346758512.
Genomic context (GRCh38, chr2:47,803,548, plus strand): 5'-TTGCCGGAAGATACCCCCCCCTTCTTAGAGCTTAAAGGATCACGCCATCCTTGCATTACG[A>G]AGACTTTTTTTGGAGATGATTTTATTCCTAATGACATTCTAATAGGCTGTGAGGAAGAGG-3'
Protein context (NP_000170.1, residues 1091-1111): LKGSRHPCIT[Lys1101Glu]TFFGDDFIPN